The following is an entry in ClinVar:

NM_015662.3(IFT172):c.3910G>T (p.Asp1304Tyr)

Genes: IFT172 (intraflagellar transport 172; minus strand), LOC126806173 (BRD4-independent group 4 enhancer GRCh37_chr2:27676057-27677256; plus strand). Cytogenetic location: 2p23.3.
Variant type: single nucleotide variant.
Coding change: c.3910G>T on transcript NM_015662.3 (MANE Select); coding-DNA position 3910, G replaced by T.
Protein change: p.Asp1304Tyr; replaces aspartic acid 1304 with tyrosine.
Molecular consequence: missense variant.
Genome position (GRCh38, 1-based): chr2:27,453,425, C>A on the plus strand (G>T on the coding strand, the complement: IFT172 is on the minus strand). VCF-style: chr2-27453425-C-A. GRCh37 (hg19) VCF-style: chr2-27676292-C-A.
Other names: c.3844G>T, p.Asp1282Tyr (NM_001410739.1); short protein forms D1304Y, D1282Y.
Identifiers: ClinVar variation 2074044 (VCV002074044.4), dbSNP rs2465830090, ClinGen allele CA346377665.
Genomic context (GRCh38, chr2:27,453,425, plus strand): 5'-AAGGGCCTGCTGTCCTCACCTTCATCCAGCACTTCTCCGCCAGGCCGCTGTTTCCAGAGT[C>A]TCGCACTTTGAGGTAGCAGTCCACGGCACGGCTGTACTCTCCAGCCTGCTCCCAGTGTCG-3'
Protein context (NP_056477.1, residues 1294-1314): RAVDCYLKVR[Asp1304Tyr]SGNSGLAEKC

ClinVar aggregate classification (germline): Uncertain significance (1 of 4 stars; one submission).

Conditions:
Retinitis pigmentosa 71 (RP71). Identifiers: Orphanet 791, MedGen C4225342, MONDO:0014618, OMIM 616394.
Short-rib thoracic dysplasia 10 with or without polydactyly (SRTD10). Identifiers: Orphanet 474, MedGen C3810175, MONDO:0014284, OMIM 615630.

Submission:

Labcorp Genetics (formerly Invitae), Labcorp
Classification: Uncertain significance for Retinitis pigmentosa 71; Short-rib thoracic dysplasia 10 with or without polydactyly. Last evaluated: 2022-01-04. Review status: criteria provided, single submitter. Criteria: Invitae Variant Classification Sherloc (09022015). Collection method: clinical testing. Allele origin: germline.
Comment: This sequence change replaces aspartic acid, which is acidic and polar, with tyrosine, which is neutral and polar, at codon 1304 of the IFT172 protein (p.Asp1304Tyr). This variant is not present in population databases (gnomAD no frequency). In summary, the available evidence is currently insufficient to determine the role of this variant in disease. Therefore, it has been classified as a Variant of Uncertain Significance. Algorithms developed to predict the effect of missense changes on protein structure and function are either unavailable or do not agree on the potential impact of this missense change (SIFT: "Deleterious"; PolyPhen-2: "Possibly Damaging"; Align-GVGD: "Class C0"). This variant has not been reported in the literature in individuals affected with IFT172-related conditions.